The following is an entry in ClinVar:

NM_014363.6(SACS):c.13487_13488del (p.Lys4495_Ser4496insTer)

Gene: SACS (sacsin molecular chaperone; minus strand). Cytogenetic location: 13q12.12.
Variant type: Deletion.
Coding change: c.13487_13488del on transcript NM_014363.6 (MANE Select); coding-DNA positions 13487 to 13488, 2 bases deleted (CT; older notation c.13487_13488delCT).
Protein change: p.Lys4495_Ser4496insTer.
Molecular consequence: nonsense.
Genome position (GRCh38, 1-based): chr13:23,330,388-23,330,389, AG deleted on the plus strand (CT on the coding strand, the reverse complement: SACS is on the minus strand); deleting any 2 consecutive bases within chr13:23,330,388-23,330,390 gives the same sequence; the c. name uses the placement nearest the transcript's 3' end. VCF-style (leftmost placement, unchanged base first): chr13-23330387-CAG-C. GRCh37 (hg19) VCF-style: chr13-23904526-CAG-C.
Other names: c.13046_13047del, p.Lys4348_Ser4349insTer (NM_001278055.2).
Identifiers: ClinVar variation 2121805 (VCV002121805.4), dbSNP rs2542137178, ClinGen allele CA2580086869.
Genomic context (GRCh38, chr13:23,330,387, plus strand): 5'-CAAGTTGCTGACTATATTCCTCTATTTTCTGAGCAAGTGCAGTTGGTTTTACATCTTTAT[CAG>C]ACTTTCCCCTCACAGCATAGTCAGCTGCAATCAAAGCTAACTTGGTAGAAAGGTAACATT-3'

ClinVar aggregate classification (germline): Pathogenic (1 of 4 stars; one submission).

Conditions:
Spastic paraplegia. Identifiers: MedGen C0037772, HP:0001258.

Submission:

Labcorp Genetics (formerly Invitae), Labcorp
Classification: Pathogenic for Spastic paraplegia. Last evaluated: 2022-04-05. Review status: criteria provided, single submitter. Criteria: Invitae Variant Classification Sherloc (09022015). Collection method: clinical testing. Allele origin: germline.
Comment: For these reasons, this variant has been classified as Pathogenic. This variant disrupts a region of the SACS protein in which other variant(s) (p.Asn4549Asp) have been determined to be pathogenic (PMID: 15156359, 21507954). This suggests that this is a clinically significant region of the protein, and that variants that disrupt it are likely to be disease-causing. This variant has not been reported in the literature in individuals affected with SACS-related conditions. This variant is not present in population databases (gnomAD no frequency). This sequence change creates a premature translational stop signal (p.Ser4496*) in the SACS gene. While this is not anticipated to result in nonsense mediated decay, it is expected to disrupt the last 84 amino acid(s) of the SACS protein.

Literature cited by the submitters: PubMed 15156359; PubMed 21507954.